The following is an entry in ClinVar:

NM_001031.5(RPS28):c.10A>G (p.Ser4Gly)

Gene: RPS28 (ribosomal protein S28; plus strand). Cytogenetic location: 19p13.2.
Variant type: single nucleotide variant.
Coding change: c.10A>G on transcript NM_001031.5 (MANE Select); coding-DNA position 10, A replaced by G.
Protein change: p.Ser4Gly; replaces serine 4 with glycine.
Molecular consequence: missense variant.
Genome position (GRCh38, 1-based): chr19:8,321,540, A>G. VCF-style: chr19-8321540-A-G. GRCh37 (hg19) VCF-style: chr19-8386424-A-G.
Other names: short protein forms S4G.
Identifiers: ClinVar variation 4762863 (VCV004762863.1).
Genomic context (GRCh38, chr19:8,321,540, plus strand): 5'-CTCCCCGAAGCACGTGACTCCTCTCCGCCAGACCGCCGCCGCGCCGCCATCATGGACACC[A>G]GCCGTGTGCAGCCTATCAAGCTGGCCAGGGTGAGGTGGGGGCCCGAATTTGGGGGCAGGG-3'
Protein context (NP_001022.1, residues 1-14): MDT[Ser4Gly]RVQPIKLARV

ClinVar aggregate classification (germline): Uncertain significance (1 of 4 stars; one submission).

Submission:

Labcorp Genetics (formerly Invitae), Labcorp
Classification: Uncertain significance. Last evaluated: 2025-11-15. Review status: criteria provided, single submitter. Criteria: Invitae Variant Classification Sherloc (09022015). Collection method: clinical testing. Allele origin: germline.
Comment: This sequence change replaces serine, which is neutral and polar, with glycine, which is neutral and non-polar, at codon 4 of the RPS28 protein (p.Ser4Gly). This variant is present in population databases (no rsID available, gnomAD 0.007%). This variant has not been reported in the literature in individuals affected with RPS28-related conditions. An algorithm developed to predict the effect of missense changes on protein structure and function outputs the following: PolyPhen-2: "Benign". The glycine amino acid residue is found in multiple mammalian species, which suggests that this missense change does not adversely affect protein function. In summary, the available evidence is currently insufficient to determine the role of this variant in disease. Therefore, it has been classified as a Variant of Uncertain Significance.